The following is an entry in ClinVar:

NM_005045.4(RELN):c.2431G>C (p.Glu811Gln)

Gene: RELN (reelin; minus strand). Cytogenetic location: 7q22.1.
Variant type: single nucleotide variant.
Coding change: c.2431G>C on transcript NM_005045.4 (MANE Select); coding-DNA position 2431, G replaced by C.
Protein change: p.Glu811Gln; replaces glutamic acid 811 with glutamine.
Molecular consequence: missense variant.
Genome position (GRCh38, 1-based): chr7:103,635,459, C>G on the plus strand (G>C on the coding strand, the complement: RELN is on the minus strand). VCF-style: chr7-103635459-C-G. GRCh37 (hg19) VCF-style: chr7-103275906-C-G.
Other names: c.2431G>C, p.Glu811Gln (NM_173054.3); short protein forms E811Q.
Identifiers: ClinVar variation 2945397 (VCV002945397.3), dbSNP rs1282605362, ClinGen allele CA368760008.

ClinVar aggregate classification (germline): Uncertain significance (1 of 4 stars; one submission).

Conditions:
Norman-Roberts syndrome (LIS2). Also called: Lissencephaly 2 (Norman-Roberts type). Identifiers: Orphanet 89844, MedGen C0796089, MONDO:0009760, OMIM 257320.
Familial temporal lobe epilepsy 7. Identifiers: Orphanet 101046, MedGen C4225327, MONDO:0014639, OMIM 616436.

Allele frequency attached by ClinVar (database versions not stated): gnomAD exomes below 0.00001.
gnomAD v4.1: 1 of 1,613,984 alleles (0.000062%); highest among the groups gnomAD compares: Non-Finnish European, 0.000085%; no homozygotes.

Submission:

Labcorp Genetics (formerly Invitae), Labcorp
Classification: Uncertain significance for Familial temporal lobe epilepsy 7; Norman-Roberts syndrome. Last evaluated: 2023-03-27. Review status: criteria provided, single submitter. Criteria: Invitae Variant Classification Sherloc (09022015). Collection method: clinical testing. Allele origin: germline.
Comment: In summary, the available evidence is currently insufficient to determine the role of this variant in disease. Therefore, it has been classified as a Variant of Uncertain Significance. Advanced modeling of protein sequence and biophysical properties (such as structural, functional, and spatial information, amino acid conservation, physicochemical variation, residue mobility, and thermodynamic stability) performed at Invitae indicates that this missense variant is not expected to disrupt RELN protein function. This variant has not been reported in the literature in individuals affected with RELN-related conditions. This variant is present in population databases (no rsID available, gnomAD 0.0009%). This sequence change replaces glutamic acid, which is acidic and polar, with glutamine, which is neutral and polar, at codon 811 of the RELN protein (p.Glu811Gln).